The following is an entry in ClinVar:

NM_001297719.2(BMAL1):c.668A>T (p.Lys223Ile)

Gene: BMAL1 (basic helix-loop-helix ARNT like 1; plus strand). Cytogenetic location: 11p15.3.
Variant type: single nucleotide variant.
Coding change: c.668A>T on transcript NM_001297719.2 (MANE Select); coding-DNA position 668, A replaced by T.
Protein change: p.Lys223Ile; replaces lysine 223 with isoleucine.
Molecular consequence: missense variant. On other transcripts: 5 prime UTR variant (1), non-coding transcript variant (7).
Genome position (GRCh38, 1-based): chr11:13,366,780, A>T. VCF-style: chr11-13366780-A-T. GRCh37 (hg19) VCF-style: chr11-13388327-A-T.
Other names: c.668A>T, p.Lys223Ile (NM_001030272.3, NM_001178.6, NM_001297722.2 and 8 more transcripts); c.539A>T, p.Lys180Ile (NM_001030273.3, NM_001297724.2, NM_001351808.2 and 7 more transcripts); c.629A>T, p.Lys210Ile (NM_001351805.2, NM_001351806.2); c.617A>T, p.Lys206Ile (NM_001351809.2, NM_001351812.2); c.-4A>T (NM_001351811.2); short protein forms K180I, K206I, K210I, K223I.
Identifiers: ClinVar variation 5010056 (VCV005010056.1).

ClinVar aggregate classification (germline): Uncertain significance (1 of 4 stars; one submission).

Submission:

GeneDx
Classification: Uncertain significance. Last evaluated: 2026-03-05. Review status: criteria provided, single submitter. Criteria: GeneDx Variant Classification Process June 2021. Collection method: clinical testing. Allele origin: germline.
Comment: Not observed at significant frequency in large population cohorts (gnomAD); In silico analysis supports that this missense variant has a deleterious effect on protein structure/function; Has not been previously published as pathogenic or benign to our knowledge